The following is an entry in ClinVar:

ClinVar aggregate classification (germline): Uncertain significance (1 of 4 stars; one submission).

Conditions:
Autosomal recessive limb-girdle muscular dystrophy type 2O. Also called: Limb-Girdle Muscular Dystrophy Type 3C; MUSCULAR DYSTROPHY-DYSTROGLYCANOPATHY (LIMB-GIRDLE), TYPE C, 3; MUSCULAR DYSTROPHY-DYSTROGLYCANOPATHY, LIMB-GIRDLE, POMGNT1-RELATED. Identifiers: Orphanet 206564, MedGen C3150417, MONDO:0013161, OMIM 613157.
Muscular dystrophy-dystroglycanopathy (congenital with impaired intellectual development), type B, 3. Also called: Muscular dystrophy-dystroglycanopathy (congenital with intellectual disability), type B3; MUSCULAR DYSTROPHY, CONGENITAL, POMGNT1-RELATED. Identifiers: MedGen C3150412, MONDO:0013155, OMIM 613151.

gnomAD v4.1: 3 of 1,614,108 alleles (0.00019%); highest among the groups gnomAD compares: South Asian, 0.0011%; no homozygotes.

Submission:

Labcorp Genetics (formerly Invitae), Labcorp
Classification: Uncertain significance for Autosomal recessive limb-girdle muscular dystrophy type 2O; Muscular dystrophy-dystroglycanopathy (congenital with impaired intellectual development), type B, 3. Last evaluated: 2021-09-24. Review status: criteria provided, single submitter. Criteria: Invitae Variant Classification Sherloc (09022015). Collection method: clinical testing. Allele origin: germline.
Comment: This sequence change replaces valine with phenylalanine at codon 504 of the POMGNT1 protein (p.Val504Phe). The valine residue is highly conserved and there is a small physicochemical difference between valine and phenylalanine. This variant is not present in population databases (ExAC no frequency). This variant has not been reported in the literature in individuals with POMGNT1-related conditions. Advanced modeling of protein sequence and biophysical properties (such as structural, functional, and spatial information, amino acid conservation, physicochemical variation, residue mobility, and thermodynamic stability) performed at Invitae indicates that this missense variant is not expected to disrupt POMGNT1 protein function. In summary, the available evidence is currently insufficient to determine the role of this variant in disease. Therefore, it has been classified as a Variant of Uncertain Significance.

NM_017739.4(POMGNT1):c.1510G>T (p.Val504Phe)

Genes: POMGNT1 (protein O-linked mannose N-acetylglucosaminyltransferase 1 (beta 1,2-); minus strand), TSPAN1 (tetraspanin 1; plus strand). Cytogenetic location: 1p34.1.
Variant type: single nucleotide variant.
Coding change: c.1510G>T on transcript NM_017739.4 (MANE Select); coding-DNA position 1510, G replaced by T.
Protein change: p.Val504Phe; replaces valine 504 with phenylalanine.
Molecular consequence: missense variant.
Genome position (GRCh38, 1-based): chr1:46,192,127, C>A on the plus strand (G>T on the coding strand, the complement: POMGNT1 is on the minus strand). VCF-style: chr1-46192127-C-A. GRCh37 (hg19) VCF-style: chr1-46657799-C-A.
Other names: c.1510G>T, p.Val504Phe (NM_001243766.2, NM_001410783.1); c.1444G>T, p.Val482Phe (NM_001290129.3); c.1081G>T, p.Val361Phe (NM_001290130.2); short protein forms V361F, V482F, V504F.
Identifiers: ClinVar variation 1513121 (VCV001513121.5), dbSNP rs17102066, ClinGen allele CA340173285.